The following is an entry in ClinVar:

NM_001291303.3(FAT4):c.6160C>G (p.Pro2054Ala)

Gene: FAT4 (FAT atypical cadherin 4; plus strand). Cytogenetic location: 4q28.1.
Variant type: single nucleotide variant.
Coding change: c.6160C>G on transcript NM_001291303.3 (MANE Select); coding-DNA position 6160, C replaced by G.
Protein change: p.Pro2054Ala; replaces proline 2054 with alanine.
Molecular consequence: missense variant.
Genome position (GRCh38, 1-based): chr4:125,415,123, C>G. VCF-style: chr4-125415123-C-G. GRCh37 (hg19) VCF-style: chr4-126336278-C-G.
Other names: c.6160C>G, p.Pro2054Ala (NM_001291285.3, NM_024582.6); c.6160C>G (NM_024582.4); short protein forms P2054A.
Identifiers: ClinVar variation 1434037 (VCV001434037.4), dbSNP rs892209188, ClinGen allele CA104853830.

ClinVar aggregate classification (germline): Uncertain significance. Review status: criteria provided, multiple submitters, no conflicts (2 of 4 stars). 2 submissions from 2 submitters: Uncertain significance (2). Last evaluated 2026-03-26.

Allele frequency attached by ClinVar (database versions not stated): gnomAD exomes below 0.00001; gnomAD 0.00004 and 0.00003; TOPMed 0.00003.
gnomAD v4.1: 7 of 1,613,860 alleles (0.00043%); highest among the groups gnomAD compares: Non-Finnish European, 0.00059%; no homozygotes.

Submissions (2):

GeneDx
Classification: Uncertain significance. Last evaluated: 2026-03-26. Review status: criteria provided, single submitter. Criteria: GeneDx Variant Classification Process June 2021. Collection method: clinical testing. Allele origin: germline.
Comment: Not observed at significant frequency in large population cohorts (gnomAD); In silico analysis supports that this missense variant has a deleterious effect on protein structure/function; Has not been previously published as pathogenic or benign to our knowledge

Labcorp Genetics (formerly Invitae), Labcorp
Classification: Uncertain significance. Last evaluated: 2021-09-30. Review status: criteria provided, single submitter. Criteria: Invitae Variant Classification Sherloc (09022015). Collection method: clinical testing. Allele origin: germline.
Comment: This sequence change replaces proline with alanine at codon 2054 of the FAT4 protein (p.Pro2054Ala). The proline residue is highly conserved and there is a small physicochemical difference between proline and alanine. This variant is not present in population databases (ExAC no frequency). This variant has not been reported in the literature in individuals affected with FAT4-related conditions. Advanced modeling of protein sequence and biophysical properties (such as structural, functional, and spatial information, amino acid conservation, physicochemical variation, residue mobility, and thermodynamic stability) performed at Invitae indicates that this missense variant is not expected to disrupt FAT4 protein function. In summary, the available evidence is currently insufficient to determine the role of this variant in disease. Therefore, it has been classified as a Variant of Uncertain Significance.